The following is an entry in ClinVar:

NM_000059.4(BRCA2):c.9815A>C (p.Asp3272Ala)

Gene: BRCA2 (BRCA2 DNA repair associated; plus strand). Cytogenetic location: 13q13.1.
Variant type: single nucleotide variant.
Coding change: c.9815A>C on transcript NM_000059.4 (MANE Select); coding-DNA position 9815, A replaced by C.
Protein change: p.Asp3272Ala; replaces aspartic acid 3272 with alanine.
Molecular consequence: missense variant. On other transcripts: non-coding transcript variant (1).
Genome position (GRCh38, 1-based): chr13:32,398,328, A>C. VCF-style: chr13-32398328-A-C. GRCh37 (hg19) VCF-style: chr13-32972465-A-C.
Other names: c.9719A>C, p.Asp3240Ala (NM_001406719.1); c.9764A>C, p.Asp3255Ala (NM_001406720.1); c.4883A>C, p.Asp1628Ala (NM_001406721.1); c.3398A>C, p.Asp1133Ala (NM_001406722.1); c.9815A>C, p.Asp3272Ala (NM_001432077.1); short protein forms D1133A, D1628A, D3240A, D3255A, D3272A.
Identifiers: ClinVar variation 4867820 (VCV004867820.1).

ClinVar aggregate classification (germline): Uncertain significance (1 of 4 stars; one submission).

Conditions:
Hereditary cancer-predisposing syndrome. Also called: Neoplastic Syndromes, Hereditary; Tumor predisposition; Hereditary Cancer Syndrome; Hereditary neoplastic syndrome. Identifiers: Orphanet 140162, MedGen C0027672, MeSH D009386, MONDO:0015356.

Submission:

Ambry Genetics
Classification: Uncertain significance for Hereditary cancer-predisposing syndrome. Last evaluated: 2026-04-11. Review status: criteria provided, single submitter. Criteria: Ambry Variant Classification Scheme 2023. Collection method: clinical testing. Allele origin: germline.
Comment: The p.D3272A variant (also known as c.9815A>C), located in coding exon 26 of the BRCA2 gene, results from an A to C substitution at nucleotide position 9815. The aspartic acid at codon 3272 is replaced by alanine, an amino acid with dissimilar properties. This amino acid position is conserved. In addition, the in silico prediction for this alteration is inconclusive. Based on the available evidence, the clinical significance of this variant remains unclear.